The following is an entry in ClinVar:

ClinVar aggregate classification (germline): Uncertain significance (1 of 4 stars; one submission).

Allele frequency attached by ClinVar (database versions not stated): gnomAD 0.00001.
gnomAD v4.1: 1 of 1,613,134 alleles (0.000062%); highest among the groups gnomAD compares: Admixed American, 0.0017%; no homozygotes.

Submission:

GeneDx
Classification: Uncertain significance. Last evaluated: 2017-10-02. Review status: criteria provided, single submitter. Criteria: GeneDx Variant Classification (06012015). Collection method: clinical testing. Allele origin: germline. Affected: yes.
Comment: The P458L variant has not been published as a pathogenic variant, nor has it been reported as a benign variant to our knowledge. The P458L variant is not observed in large population cohorts (Lek et al., 2016). The P458L variant is a semi-conservative amino acid substitution, which may impact secondary protein structure as these residues differ in some properties. This substitution occurs at a position that is conserved across species, and in silico analysis predicts this variant is probably damaging to the protein structure/function. Therefore, based on the currently available information, it is unclear whether this variant is a pathogenic variant or a rare benign variant.

NM_001134673.4(NFIA):c.1373C>T (p.Pro458Leu)

Gene: NFIA (nuclear factor I A; plus strand). Cytogenetic location: 1p31.3.
Variant type: single nucleotide variant.
Coding change: c.1373C>T on transcript NM_001134673.4 (MANE Select); coding-DNA position 1373, C replaced by T.
Protein change: p.Pro458Leu; replaces proline 458 with leucine.
Molecular consequence: missense variant.
Genome position (GRCh38, 1-based): chr1:61,406,680, C>T. VCF-style: chr1-61406680-C-T. GRCh37 (hg19) VCF-style: chr1-61872352-C-T.
Other names: c.1349C>T, p.Pro450Leu (NM_001145511.2); c.1508C>T, p.Pro503Leu (NM_001145512.2); c.1373C>T, p.Pro458Leu (NM_005595.5); short protein forms P450L, P458L, P503L.
Identifiers: ClinVar variation 452433 (VCV000452433.2), dbSNP rs1553183336, ClinGen allele CA340589659.